The following is an entry in ClinVar:

ClinVar aggregate classification (germline): Conflicting classifications of pathogenicity. Review status: criteria provided, conflicting classifications (1 of 4 stars). 6 submissions from 6 submitters: Uncertain significance (5); Likely benign (1). Last evaluated 2025-08-11.

Conditions:
Familial cancer of breast. Also called: BREAST CANCER, FAMILIAL; hereditary breast carcinoma; Hereditary breast cancer. Identifiers: Orphanet 227535, MedGen C0346153, MONDO:0016419, OMIM 114480. Disease mechanism: loss of function.
Fanconi anemia complementation group J. Also called: BRIP1-Related Fanconi Anemia. Identifiers: Orphanet 84, MedGen C1836860, MONDO:0012187, OMIM 609054.
Hereditary cancer-predisposing syndrome. Also called: Hereditary Cancer Syndrome; Neoplastic Syndromes, Hereditary; Tumor predisposition; Hereditary neoplastic syndrome. Identifiers: Orphanet 140162, MedGen C0027672, MeSH D009386, MONDO:0015356.

Allele frequency attached by ClinVar (database versions not stated): TOPMed below 0.00001.

Submissions (6):

Labcorp Genetics (formerly Invitae), Labcorp
Classification: Uncertain significance for Familial cancer of breast; Fanconi anemia complementation group J. Last evaluated: 2025-08-11. Review status: criteria provided, single submitter. Criteria: Invitae Variant Classification Sherloc (09022015). Collection method: clinical testing. Allele origin: germline.
Comment: This sequence change replaces asparagine, which is neutral and polar, with lysine, which is basic and polar, at codon 1087 of the BRIP1 protein (p.Asn1087Lys). This variant is not present in population databases (gnomAD no frequency). This variant has not been reported in the literature in individuals affected with BRIP1-related conditions. ClinVar contains an entry for this variant (Variation ID: 631323). Invitae Evidence Modeling of protein sequence and biophysical properties (such as structural, functional, and spatial information, amino acid conservation, physicochemical variation, residue mobility, and thermodynamic stability) indicates that this missense variant is not expected to disrupt BRIP1 protein function with a negative predictive value of 95%. In summary, the available evidence is currently insufficient to determine the role of this variant in disease. Therefore, it has been classified as a Variant of Uncertain Significance.

Ambry Genetics
Classification: Likely benign for Hereditary cancer-predisposing syndrome. Last evaluated: 2024-10-24. Review status: criteria provided, single submitter. Criteria: Ambry Variant Classification Scheme 2023. Collection method: clinical testing. Allele origin: germline.

GeneDx
Classification: Uncertain significance. Last evaluated: 2024-08-22. Review status: criteria provided, single submitter. Criteria: GeneDx Variant Classification Process June 2021. Collection method: clinical testing. Allele origin: germline. Affected: yes.
Comment: Not observed at significant frequency in large population cohorts (gnomAD); In silico analysis indicates that this missense variant does not alter protein structure/function; Has not been previously published as pathogenic or benign to our knowledge

Color Diagnostics, LLC DBA Color Health
Classification: Uncertain significance for Hereditary cancer-predisposing syndrome. Last evaluated: 2024-03-06. Review status: criteria provided, single submitter. Criteria: ACMG Guidelines, 2015. Collection method: clinical testing. Allele origin: germline.
Comment: This missense variant replaces asparagine with lysine at codon 1087 of the BRIP1 protein. Computational prediction suggests that this variant may not impact protein structure and function (internally defined REVEL score threshold <= 0.5, PMID: 27666373). Splice site prediction tools suggest that this variant may not impact RNA splicing. To our knowledge, functional studies have not been performed for this variant. This variant has not been reported in individuals affected with hereditary cancer in the literature. This variant has not been identified in the general population by the Genome Aggregation Database (gnomAD). The available evidence is insufficient to determine the role of this variant in disease conclusively. Therefore, this variant is classified as a Variant of Uncertain Significance.

Baylor Genetics
Classification: Uncertain significance for Familial cancer of breast. Last evaluated: 2024-01-20. Review status: criteria provided, single submitter. Criteria: ACMG Guidelines, 2015. Collection method: clinical testing. Allele origin: unknown.

Sema4
Classification: Uncertain significance for Hereditary cancer-predisposing syndrome. Last evaluated: 2021-12-16. Review status: criteria provided, single submitter. Criteria: Sema4 Curation Guidelines. Collection method: curation. Allele origin: germline.
Comment: The BRIP1 c.3261T>G (p.N1087K) variant has not been reported in the literature to our knowledge. It was not observed the large and broad cohorts of the Genome Aggregation Database. The variant has been reported in ClinVar (Variation ID 631323). In silico tools suggest the impact of the variant on protein function is benign, though these predictions have not been confirmed by functional studies. The evidence is insufficient to meet ACMG/AMP criteria for classifying the variant as benign or pathogenic. Thus, the clinical significance of this variant is currently uncertain.

NM_032043.3(BRIP1):c.3261T>G (p.Asn1087Lys)

Gene: BRIP1 (BRCA1 interacting DNA helicase 1; minus strand). Cytogenetic location: 17q23.2.
Variant type: single nucleotide variant.
Coding change: c.3261T>G on transcript NM_032043.3 (MANE Select); coding-DNA position 3261, T replaced by G.
Protein change: p.Asn1087Lys; replaces asparagine 1087 with lysine.
Molecular consequence: missense variant.
Genome position (GRCh38, 1-based): chr17:61,683,785, A>C on the plus strand (T>G on the coding strand, the complement: BRIP1 is on the minus strand). VCF-style: chr17-61683785-A-C. GRCh37 (hg19) VCF-style: chr17-59761146-A-C.
Other names: short protein forms N1087K.
Identifiers: ClinVar variation 631323 (VCV000631323.17), dbSNP rs1567728557, ClinGen allele CA400479105.